The following is an entry in ClinVar:

ClinVar aggregate classification (germline): Benign (1 of 4 stars; one submission).

Submission:

Dasa
Classification: Benign. Last evaluated: 2025-11-25. Review status: criteria provided, single submitter. Criteria: DASA Assertion Criteria. Collection method: clinical testing. Allele origin: germline.
Comment: NM_004360.5(CDH1):c.2440-325del is interpreted as benign based on a combination of available evidence, which may include population frequency, observations in unaffected individuals, intact protein function, lack of segregation with disease, in silico models, amino acid conservation, lack of disease association in case-control studies, and/or inconsistency with the known disease mechanism or impacted region. Based on the available data, this variant is classified as benign.

NM_004360.5(CDH1):c.2440-325del

Gene: CDH1 (cadherin 1; plus strand). Cytogenetic location: 16q22.1.
Variant type: Deletion.
Coding change: c.2440-325del on transcript NM_004360.5 (MANE Select); 325 bases into the intron before coding-DNA position 2440, one base deleted (G; older notation c.2440-325delG).
Molecular consequence: intron variant.
Genome position (GRCh38, 1-based): chr16:68,832,965, G deleted. VCF-style (leftmost placement, unchanged base first): chr16-68832964-AG-A. GRCh37 (hg19) VCF-style: chr16-68866867-AG-A.
Other names: c.892-325del (NM_001317185.2); c.475-325del (NM_001317186.2); c.2257-325del (NM_001317184.2).
Identifiers: ClinVar variation 4851931 (VCV004851931.1).